The following is an entry in ClinVar:

NM_201384.3(PLEC):c.10380C>T (p.His3460=)

Gene: PLEC (plectin; minus strand). Cytogenetic location: 8q24.3.
Variant type: single nucleotide variant.
Coding change: c.10380C>T on transcript NM_201384.3 (MANE Select); coding-DNA position 10380, C replaced by T.
Protein change: p.His3460=; no amino-acid change (histidine 3460 retained).
Molecular consequence: synonymous variant.
Genome position (GRCh38, 1-based): chr8:143,919,441, G>A on the plus strand (C>T on the coding strand, the complement: PLEC is on the minus strand). VCF-style: chr8-143919441-G-A. GRCh37 (hg19) VCF-style: chr8-144993609-G-A.
Other names: c.10461C>T (NM_000445.4); c.10461C>T, p.His3487= (NM_000445.5); c.10338C>T, p.His3446= (NM_201378.4); c.10314C>T, p.His3438= (NM_201379.3); c.10791C>T, p.His3597= (NM_201380.4); c.10284C>T, p.His3428= (NM_201381.3); c.10380C>T, p.His3460= (NM_201382.4); c.10392C>T, p.His3464= (NM_201383.3).
Identifiers: ClinVar variation 1159824 (VCV001159824.12), dbSNP rs371407635, ClinGen allele CA4924671.

ClinVar aggregate classification (germline): Likely benign. Review status: criteria provided, multiple submitters, no conflicts (2 of 4 stars). 3 submissions from 3 submitters: Likely benign (2). 1 of the submissions does not count toward it. Last evaluated 2025-12-09.

Conditions:
PLEC-related disorder. Also called: PLEC-related disorders; PLEC-related condition.
Epidermolysis bullosa simplex 5C, with pyloric atresia (EBS5C). Also called: PLEC1-Related Epidermolysis Bullosa with Pyloric Atresia; PLEC-Related Epidermolysis Bullosa with Pyloric Atresia; Epidermolysis bullosa simplex with pyloric atresia. Identifiers: Orphanet 158684, MedGen C2677349, MONDO:0012807, OMIM 612138.
Epidermolysis bullosa simplex with nail dystrophy (EBS5D). Identifiers: MedGen C4225309, MONDO:0014661, OMIM 616487.
Epidermolysis bullosa simplex 5B, with muscular dystrophy (EBS5B). Also called: EPIDERMOLYSIS BULLOSA SIMPLEX AND LIMB-GIRDLE MUSCULAR DYSTROPHY; Epidermolysis bullosa simplex with muscular dystrophy. Identifiers: Orphanet 257, MedGen C2931072, MONDO:0009181, OMIM 226670.
Epidermolysis bullosa simplex, Ogna type (EBS5A). Also called: Pidermolysis bullosa simplex 5A, Ogna type; EPIDERMOLYSIS BULLOSA SIMPLEX 5A, OGNA TYPE. Identifiers: Orphanet 79401, MedGen C0432317, MONDO:0007555, OMIM 131950.
Autosomal recessive limb-girdle muscular dystrophy type 2Q (LGMDR17). Also called: MUSCULAR DYSTROPHY, LIMB-GIRDLE, AUTOSOMAL RECESSIVE 17. Identifiers: Orphanet 254361, MedGen C3150989, MONDO:0013390, OMIM 613723.

Allele frequency attached by ClinVar (database versions not stated): gnomAD exomes 0.00005 and 0.00007; ExAC 0.00008; gnomAD 0.00015; TOPMed 0.00022; ESP Exome Variant Server 0.00032.
gnomAD v4.1: 94 of 1,613,138 alleles (0.0058%); highest among the groups gnomAD compares: African/African-American, 0.039%; no homozygotes.

Submissions (3):

Labcorp Genetics (formerly Invitae), Labcorp
Classification: Likely benign for Autosomal recessive limb-girdle muscular dystrophy type 2Q; Epidermolysis bullosa simplex, Ogna type; Epidermolysis bullosa simplex with nail dystrophy; Epidermolysis bullosa simplex 5C, with pyloric atresia; Epidermolysis bullosa simplex 5B, with muscular dystrophy. Last evaluated: 2025-12-09. Review status: criteria provided, single submitter. Criteria: Invitae Variant Classification Sherloc (09022015). Collection method: clinical testing. Allele origin: germline.

Blueprint Genetics
Classification: Likely benign. Last evaluated: 2022-02-22. Review status: criteria provided, single submitter. Criteria: ACMG Guidelines, 2015. Collection method: clinical testing. Allele origin: germline.

PreventionGenetics, part of Exact Sciences
Classification: Likely benign for PLEC-related condition. Last evaluated: 2019-02-22. Review status: no assertion criteria provided. Collection method: clinical testing. Allele origin: germline. Not counted in ClinVar's aggregate classification.
Comment: This variant is classified as likely benign based on ACMG/AMP sequence variant interpretation guidelines (Richards et al. 2015 PMID: 25741868, with internal and published modifications).